The following is an entry in ClinVar:

NM_000182.4(HADHA):c.-43A>G

Genes: HADHA (hydroxyacyl-CoA dehydrogenase trifunctional multienzyme complex subunit alpha; minus strand), HADHB (hydroxyacyl-CoA dehydrogenase trifunctional multienzyme complex subunit beta; plus strand). Cytogenetic location: 2p23.3.
Variant type: single nucleotide variant.
Coding change: c.-43A>G on transcript NM_000182.4; 43 bases upstream of the start codon, A replaced by G.
Genome position (GRCh38, 1-based): chr2:26,244,639, T>C on the plus strand (A>G on the coding strand, the complement: HADHA is on the minus strand). VCF-style: chr2-26244639-T-C. GRCh37 (hg19) VCF-style: chr2-26467507-T-C.
Identifiers: ClinVar variation 388760 (VCV000388760.3), dbSNP rs368000837, ClinGen allele CA1560032.

ClinVar aggregate classification (germline): Likely benign (1 of 4 stars; one submission).

Allele frequency attached by ClinVar (database versions not stated): gnomAD exomes 0.00001 and 0.00002; gnomAD 0.00003; TOPMed 0.00005; ESP Exome Variant Server 0.00016; ExAC 0.00005.

Submission:

GeneDx
Classification: Likely benign. Last evaluated: 2016-09-02. Review status: criteria provided, single submitter. Criteria: GeneDx Variant Classification (06012015). Collection method: clinical testing. Allele origin: germline. Affected: yes.
Comment: This variant is considered likely benign or benign based on one or more of the following criteria: it is a conservative change, it occurs at a poorly conserved position in the protein, it is predicted to be benign by multiple in silico algorithms, and/or has population frequency not consistent with disease.